The following is an entry in ClinVar:

NM_000368.5(TSC1):c.2513G>A (p.Ser838Asn)

Gene: TSC1 (TSC complex subunit 1; minus strand). Cytogenetic location: 9q34.13.
Variant type: single nucleotide variant.
Coding change: c.2513G>A on transcript NM_000368.5 (MANE Select); coding-DNA position 2513, G replaced by A.
Protein change: p.Ser838Asn; replaces serine 838 with asparagine.
Molecular consequence: missense variant.
Genome position (GRCh38, 1-based): chr9:132,900,827, C>T on the plus strand (G>A on the coding strand, the complement: TSC1 is on the minus strand). VCF-style: chr9-132900827-C-T. GRCh37 (hg19) VCF-style: chr9-135776214-C-T.
Other names: c.2510G>A, p.Ser837Asn (NM_001162426.2); c.2360G>A, p.Ser787Asn (NM_001162427.2); c.2150G>A, p.Ser717Asn (NM_001362177.2); short protein forms S838N, S717N, S787N, S837N.
Identifiers: ClinVar variation 411247 (VCV000411247.8), dbSNP rs1060503208, ClinGen allele CA16612624.

ClinVar aggregate classification (germline): Uncertain significance (1 of 4 stars; one submission).

Conditions:
Tuberous sclerosis 1 (TSC1). Identifiers: Orphanet 805, MedGen C1854465, MONDO:0008612, OMIM 191100.

Submission:

Labcorp Genetics (formerly Invitae), Labcorp
Classification: Uncertain significance for Tuberous sclerosis 1. Last evaluated: 2016-05-17. Review status: criteria provided, single submitter. Criteria: Invitae Variant Classification Sherloc (09022015). Collection method: clinical testing. Allele origin: germline.
Comment: This sequence change replaces serine with asparagine at codon 838 of the TSC1 protein (p.Ser838Asn). The serine residue is highly conserved and there is a small physicochemical difference between serine and asparagine. In summary, this variant is a novel missense change that is not predicted to affect protein function. There is no indication that it causes disease, but the available evidence is currently insufficient to prove that conclusively. Therefore, it has been classified as a Variant of Uncertain Significance. This variant is not present in population databases (ExAC no frequency) and has not been reported in the literature in individuals with a TSC1-related disease. Algorithms developed to predict the effect of missense changes on protein structure and function (SIFT, PolyPhen-2, Align-GVGD) all suggest that this variant is likely to be tolerated, but these predictions have not been confirmed by published functional studies.